The following is an entry in ClinVar:

NM_003816.3(ADAM9):c.2060C>T (p.Thr687Ile)

Gene: ADAM9 (ADAM metallopeptidase domain 9; plus strand). Cytogenetic location: 8p11.22.
Variant type: single nucleotide variant.
Coding change: c.2060C>T on transcript NM_003816.3 (MANE Select); coding-DNA position 2060, C replaced by T.
Protein change: p.Thr687Ile; replaces threonine 687 with isoleucine.
Molecular consequence: missense variant. On other transcripts: non-coding transcript variant (1).
Genome position (GRCh38, 1-based): chr8:39,083,065, C>T. VCF-style: chr8-39083065-C-T. GRCh37 (hg19) VCF-style: chr8-38940584-C-T.
Other names: short protein forms T687I.
Identifiers: ClinVar variation 1350735 (VCV001350735.6), dbSNP rs769709138, ClinGen allele CA4721783.

ClinVar aggregate classification (germline): Uncertain significance (1 of 4 stars; one submission).

Allele frequency attached by ClinVar (database versions not stated): gnomAD exomes 0.00001 and 0.00003; ExAC 0.00002; TOPMed 0.00005; gnomAD 0.00008 and 0.00009.

Submission:

Labcorp Genetics (formerly Invitae), Labcorp
Classification: Uncertain significance. Last evaluated: 2022-03-21. Review status: criteria provided, single submitter. Criteria: Invitae Variant Classification Sherloc (09022015). Collection method: clinical testing. Allele origin: germline.
Comment: In summary, the available evidence is currently insufficient to determine the role of this variant in disease. Therefore, it has been classified as a Variant of Uncertain Significance. Algorithms developed to predict the effect of missense changes on protein structure and function are either unavailable or do not agree on the potential impact of this missense change (SIFT: "Tolerated"; PolyPhen-2: "Possibly Damaging"; Align-GVGD: "Class C25"). This variant has not been reported in the literature in individuals affected with ADAM9-related conditions. The frequency data for this variant in the population databases is considered unreliable, as metrics indicate poor data quality at this position in the gnomAD database. This sequence change replaces threonine, which is neutral and polar, with isoleucine, which is neutral and non-polar, at codon 687 of the ADAM9 protein (p.Thr687Ile).